The following is an entry in ClinVar:

NM_000051.4(ATM):c.3968A>G (p.Lys1323Arg)

Gene: ATM (ATM serine/threonine kinase; plus strand). Cytogenetic location: 11q22.3.
Variant type: single nucleotide variant.
Coding change: c.3968A>G on transcript NM_000051.4 (MANE Select); coding-DNA position 3968, A replaced by G.
Protein change: p.Lys1323Arg; replaces lysine 1323 with arginine.
Molecular consequence: missense variant.
Genome position (GRCh38, 1-based): chr11:108,284,448, A>G. VCF-style: chr11-108284448-A-G. GRCh37 (hg19) VCF-style: chr11-108155175-A-G.
Other names: c.3968A>G, p.Lys1323Arg (NM_001351834.2); short protein forms K1323R.
Identifiers: ClinVar variation 453497 (VCV000453497.8), dbSNP rs1295515377, ClinGen allele CA382526121.

ClinVar aggregate classification (germline): Uncertain significance (1 of 4 stars; one submission).

Conditions:
Ataxia-telangiectasia syndrome (AT). Also called: Cerebello-oculocutaneous telangiectasia; Immunodeficiency with ataxia telangiectasia; Ataxia-telangiectasia, complementation group D; AT, COMPLEMENTATION GROUP C; Ataxia-telangiectasia, complementation group E; LOUIS-BAR SYNDROME. Identifiers: Orphanet 100, MedGen C0004135, MONDO:0008840, OMIM 208900.

Submission:

Labcorp Genetics (formerly Invitae), Labcorp
Classification: Uncertain significance for Ataxia-telangiectasia syndrome. Last evaluated: 2025-04-18. Review status: criteria provided, single submitter. Criteria: Invitae Variant Classification Sherloc (09022015). Collection method: clinical testing. Allele origin: germline.
Comment: This sequence change replaces lysine, which is basic and polar, with arginine, which is basic and polar, at codon 1323 of the ATM protein (p.Lys1323Arg). This variant is not present in population databases (gnomAD no frequency). This variant has not been reported in the literature in individuals affected with ATM-related conditions. ClinVar contains an entry for this variant (Variation ID: 453497). Invitae Evidence Modeling of protein sequence and biophysical properties (such as structural, functional, and spatial information, amino acid conservation, physicochemical variation, residue mobility, and thermodynamic stability) indicates that this missense variant is not expected to disrupt ATM protein function with a negative predictive value of 95%. In summary, the available evidence is currently insufficient to determine the role of this variant in disease. Therefore, it has been classified as a Variant of Uncertain Significance.